The following is an entry in ClinVar:

NM_004793.4(LONP1):c.390C>T (p.Thr130=)

Gene: LONP1 (lon peptidase 1, mitochondrial; minus strand). Cytogenetic location: 19p13.3.
Variant type: single nucleotide variant.
Coding change: c.390C>T on transcript NM_004793.4 (MANE Select); coding-DNA position 390, C replaced by T.
Protein change: p.Thr130=; no amino-acid change (threonine 130 retained).
Molecular consequence: synonymous variant. On other transcripts: non-coding transcript variant (1), intron variant (1).
Genome position (GRCh38, 1-based): chr19:5,719,743, G>A on the plus strand (C>T on the coding strand, the complement: LONP1 is on the minus strand). VCF-style: chr19-5719743-G-A. GRCh37 (hg19) VCF-style: chr19-5719754-G-A.
Other names: c.198C>T, p.Thr66= (NM_001276479.2); c.-160+476C>T (NM_001276480.1).
Identifiers: ClinVar variation 779985 (VCV000779985.13), dbSNP rs368019445, ClinGen allele CA9115159.

ClinVar aggregate classification (germline): Likely benign. Review status: criteria provided, multiple submitters, no conflicts (2 of 4 stars). 3 submissions from 3 submitters: Likely benign (2). 1 of the submissions does not count toward it. Last evaluated 2025-12-15.

Conditions:
LONP1-related disorder. Also called: LONP1-related disorders; LONP1-related condition.

Allele frequency attached by ClinVar (database versions not stated): gnomAD exomes 0.00002 and 0.00008; ExAC 0.00006; gnomAD 0.00008 and 0.00009; TOPMed 0.00011; 1000 Genomes Project 30x 0.00031; 1000 Genomes Project 0.00040.

Submissions (3):

Labcorp Genetics (formerly Invitae), Labcorp
Classification: Likely benign. Last evaluated: 2025-12-15. Review status: criteria provided, single submitter. Criteria: Invitae Variant Classification Sherloc (09022015). Collection method: clinical testing. Allele origin: germline.

Blueprint Genetics
Classification: Likely benign. Last evaluated: 2024-10-28. Review status: criteria provided, single submitter. Criteria: ACMG Guidelines, 2015. Collection method: clinical testing. Allele origin: germline.

PreventionGenetics, part of Exact Sciences
Classification: Likely benign for LONP1-related condition. Last evaluated: 2019-02-22. Review status: no assertion criteria provided. Collection method: clinical testing. Allele origin: germline. Not counted in ClinVar's aggregate classification.
Comment: This variant is classified as likely benign based on ACMG/AMP sequence variant interpretation guidelines (Richards et al. 2015 PMID: 25741868, with internal and published modifications).